The following is an entry in ClinVar:

ClinVar aggregate classification (germline): Conflicting classifications of pathogenicity. Review status: criteria provided, conflicting classifications (1 of 4 stars). 3 submissions from 3 submitters: Uncertain significance (2); Benign (1). Last evaluated 2025-08-04.

Conditions:
Familial thoracic aortic aneurysm and aortic dissection (TAAD). Also called: Thoracic aortic aneurysms and dissections. Identifiers: Orphanet 91387, MedGen C4707243, MONDO:0019625.
Aortic aneurysm, familial thoracic 4 (AAT4). Also called: AORTIC ANEURYSM/AORTIC DISSECTION AND PATENT DUCTUS ARTERIOSUS. Identifiers: MedGen C1851504, MONDO:0007568, OMIM 132900.

Allele frequency attached by ClinVar (database versions not stated): ExAC 0.00001; gnomAD 0.00001; gnomAD exomes 0.00001 and 0.00002; TOPMed 0.00002; ESP Exome Variant Server 0.00008.
gnomAD v4.1: 21 of 1,614,098 alleles (0.0013%); highest among the groups gnomAD compares: Non-Finnish European, 0.0017%; no homozygotes.

Submissions (3):

Labcorp Genetics (formerly Invitae), Labcorp
Classification: Uncertain significance for Aortic aneurysm, familial thoracic 4. Last evaluated: 2025-08-04. Review status: criteria provided, single submitter. Criteria: Invitae Variant Classification Sherloc (09022015). Collection method: clinical testing. Allele origin: germline.
Comment: This sequence change falls in intron 14 of the MYH11 gene. It does not directly change the encoded amino acid sequence of the MYH11 protein. It affects a nucleotide within the consensus splice site. This variant is present in population databases (rs377632137, gnomAD 0.004%). This variant has not been reported in the literature in individuals affected with MYH11-related conditions. ClinVar contains an entry for this variant (Variation ID: 378200). Variants that disrupt the consensus splice site are a relatively common cause of aberrant splicing (PMID: 17576681, 9536098). Algorithms developed to predict the effect of sequence changes on RNA splicing suggest that this variant is not likely to affect RNA splicing. In summary, the available evidence is currently insufficient to determine the role of this variant in disease. Therefore, it has been classified as a Variant of Uncertain Significance.

Color Diagnostics, LLC DBA Color Health
Classification: Uncertain significance for Familial thoracic aortic aneurysm and aortic dissection. Last evaluated: 2021-10-07. Review status: criteria provided, single submitter. Criteria: ACMG Guidelines, 2015. Collection method: clinical testing. Allele origin: germline.
Comment: This variant causes a G to A nucleotide substitution at the +3 position of intron 14 of the MYH11 gene. To our knowledge, functional studies have not been reported for this variant. This variant has not been reported in individuals affected with cardiovascular disorders in the literature. This variant has been identified in 5/251004 chromosomes in the general population by the Genome Aggregation Database (gnomAD). The available evidence is insufficient to determine the role of this variant in disease conclusively. Therefore, this variant is classified as a Variant of Uncertain Significance.

GeneDx
Classification: Benign. Last evaluated: 2015-04-28. Review status: criteria provided, single submitter. Criteria: GeneDx Variant Classification (06012015). Collection method: clinical testing. Allele origin: germline. Affected: yes.
Comment: This variant is considered likely benign or benign based on one or more of the following criteria: it is a conservative change, it occurs at a poorly conserved position in the protein, it is predicted to be benign by multiple in silico algorithms, and/or has population frequency not consistent with disease.

Literature cited by the submitters: PubMed 17576681 (cited by Labcorp Genetics (formerly Invitae), Labcorp); PubMed 9536098 (cited by Labcorp Genetics (formerly Invitae), Labcorp).

NM_002474.3(MYH11):c.1575+3G>A

Gene: MYH11 (myosin heavy chain 11; minus strand). Cytogenetic location: 16p13.11.
Variant type: single nucleotide variant.
Coding change: c.1575+3G>A on transcript NM_002474.3 (MANE Select); 3 bases into the intron after coding-DNA position 1575, G replaced by A.
Molecular consequence: intron variant.
Genome position (GRCh38, 1-based): chr16:15,757,824, C>T on the plus strand (G>A on the coding strand, the complement: MYH11 is on the minus strand). VCF-style: chr16-15757824-C-T. GRCh37 (hg19) VCF-style: chr16-15851681-C-T.
Other names: c.1575+3G>A (NM_022844.3); c.1596+3G>A (NM_001040114.2, NM_001040113.2).
Identifiers: ClinVar variation 378200 (VCV000378200.8), dbSNP rs377632137, ClinGen allele CA7922587.
Genomic context (GRCh38, chr16:15,757,824, plus strand): 5'-TCCACAGAGGCCACACACGTGTACAAGGTGTGACGGAGCCCCGCACGCCCACGTGCCCCT[C>T]ACCGGTCGCTCGATGAGCTCGATGCAGGGCTGTAGGTCCAGCCCAAAGTCGATGAAGTTC-3'